The following is an entry in ClinVar:

ClinVar aggregate classification (germline): Likely benign. Review status: criteria provided, multiple submitters, no conflicts (2 of 4 stars). 3 submissions from 3 submitters: Likely benign (2). 1 of the submissions does not count toward it. Last evaluated 2026-01-20.

Conditions:
Primary open angle glaucoma (POAG). Also called: OPTN-related open angle glaucoma. Identifiers: MedGen C0339573, MONDO:0100553, OMIM 137760.
Glaucoma 1, open angle, E. Identifiers: MedGen C1842026, MONDO:0007665.
Amyotrophic lateral sclerosis type 12 (ALS12). Also called: AMYOTROPHIC LATERAL SCLEROSIS 12 WITH OR WITHOUT FRONTOTEMPORAL DEMENTIA. Identifiers: Orphanet 803, MedGen C3150692, MONDO:0013264, OMIM 613435.
OPTN-related disorder. Also called: OPTN-related condition; OPTN-related disorders.

Allele frequency attached by ClinVar (database versions not stated): ExAC 0.00011; gnomAD 0.00011 and 0.00012; TOPMed 0.00013; 1000 Genomes Project 0.00020; 1000 Genomes Project 30x 0.00031; ESP Exome Variant Server 0.00008; gnomAD exomes 0.00009.
gnomAD v4.1: 143 of 1,613,270 alleles (0.0089%); highest among the groups gnomAD compares: Admixed American, 0.033%; no homozygotes.

Submissions (3):

Labcorp Genetics (formerly Invitae), Labcorp
Classification: Likely benign for Primary open angle glaucoma; Glaucoma 1, open angle, E; Amyotrophic lateral sclerosis type 12. Last evaluated: 2026-01-20. Review status: criteria provided, single submitter. Criteria: Invitae Variant Classification Sherloc (09022015). Collection method: clinical testing. Allele origin: germline.

Women's Health and Genetics/Laboratory Corporation of America, LabCorp
Classification: Likely benign. Last evaluated: 2024-09-13. Review status: criteria provided, single submitter. Criteria: LabCorp Variant Classification Summary - May 2015. Collection method: clinical testing. Allele origin: germline.

PreventionGenetics, part of Exact Sciences
Classification: Likely benign for OPTN-related condition. Last evaluated: 2021-06-15. Review status: no assertion criteria provided. Collection method: clinical testing. Allele origin: germline. Not counted in ClinVar's aggregate classification.
Comment: This variant is classified as likely benign based on ACMG/AMP sequence variant interpretation guidelines (Richards et al. 2015 PMID: 25741868, with internal and published modifications).

NM_001008212.2(OPTN):c.779+10A>G

Gene: OPTN (optineurin; plus strand). Cytogenetic location: 10p13.
Variant type: single nucleotide variant.
Coding change: c.779+10A>G on transcript NM_001008212.2 (MANE Select); 10 bases into the intron after coding-DNA position 779, A replaced by G.
Molecular consequence: intron variant.
Genome position (GRCh38, 1-based): chr10:13,119,050, A>G. VCF-style: chr10-13119050-A-G. GRCh37 (hg19) VCF-style: chr10-13161050-A-G.
Other names: c.779+10A>G (NM_001008211.1, NM_001008213.1, NM_021980.4).
Identifiers: ClinVar variation 704501 (VCV000704501.11), dbSNP rs200899194, ClinGen allele CA5410735.
Genomic context (GRCh38, chr10:13,119,050, plus strand): 5'-GAATCAGAAGGTGGAGAGACTTGAAGTTGCACTCAAGGAGGCCAAAGAAAGGTATGAAAT[A>G]GGTTAACTTGAAATATGTGTTTTTTTAAAACAGCTTTCCTGAGATATAATTAAGATACCA-3'